The following is an entry in ClinVar:

ClinVar aggregate classification (germline): Uncertain significance. Review status: criteria provided, multiple submitters, no conflicts (2 of 4 stars). 2 submissions from 2 submitters: Uncertain significance (2). Last evaluated 2023-10-22.

Conditions:
Adult-onset proximal spinal muscular atrophy, autosomal dominant. Also called: Spinal muscular atrophy, late-onset, finkel type; FINKEL LATE-ADULT TYPE SMA. Identifiers: Orphanet 209335, MedGen C1854058, MONDO:0008453, OMIM 182980.
Amyotrophic lateral sclerosis type 8 (ALS8). Identifiers: Orphanet 803, MedGen C1837728, MONDO:0012077, OMIM 608627.
Inborn genetic diseases. Identifiers: MedGen C0950123, MeSH D030342.

Allele frequency attached by ClinVar (database versions not stated): gnomAD exomes below 0.00001.
gnomAD v4.1: 1 of 1,614,136 alleles (0.000062%); highest among the groups gnomAD compares: South Asian, 0.0011%; no homozygotes.

Submissions (2):

Labcorp Genetics (formerly Invitae), Labcorp
Classification: Uncertain significance for Adult-onset proximal spinal muscular atrophy, autosomal dominant; Amyotrophic lateral sclerosis type 8. Last evaluated: 2023-10-22. Review status: criteria provided, single submitter. Criteria: Invitae Variant Classification Sherloc (09022015). Collection method: clinical testing. Allele origin: germline.
Comment: This sequence change replaces isoleucine, which is neutral and non-polar, with valine, which is neutral and non-polar, at codon 152 of the VAPB protein (p.Ile152Val). This variant is not present in population databases (gnomAD no frequency). This variant has not been reported in the literature in individuals affected with VAPB-related conditions. ClinVar contains an entry for this variant (Variation ID: 2219651). Algorithms developed to predict the effect of missense changes on protein structure and function output the following: SIFT: "Not Available"; PolyPhen-2: "Benign"; Align-GVGD: "Not Available". The valine amino acid residue is found in multiple mammalian species, which suggests that this missense change does not adversely affect protein function. In summary, the available evidence is currently insufficient to determine the role of this variant in disease. Therefore, it has been classified as a Variant of Uncertain Significance.

Ambry Genetics
Classification: Uncertain significance for Inborn genetic diseases. Last evaluated: 2022-02-11. Review status: criteria provided, single submitter. Criteria: Ambry Variant Classification Scheme 2023. Collection method: clinical testing. Allele origin: germline.
Comment: The c.454A>G (p.I152V) alteration is located in exon 5 (coding exon 5) of the VAPB gene. This alteration results from a A to G substitution at nucleotide position 454, causing the isoleucine (I) at amino acid position 152 to be replaced by a valine (V). Based on data from the Genome Aggregation Database (gnomAD), the VAPB c.454A>G alteration was not observed, with coverage at this position. This amino acid is not conserved in available vertebrate species. This alteration is predicted to be tolerated by in silico analysis. Based on insufficient or conflicting evidence, the clinical significance of this alteration remains unclear.

NM_004738.5(VAPB):c.454A>G (p.Ile152Val)

Gene: VAPB (VAMP associated protein B and C; plus strand). Cytogenetic location: 20q13.32.
Variant type: single nucleotide variant.
Coding change: c.454A>G on transcript NM_004738.5 (MANE Select); coding-DNA position 454, A replaced by G.
Protein change: p.Ile152Val; replaces isoleucine 152 with valine.
Molecular consequence: missense variant. On other transcripts: non-coding transcript variant (1), intron variant (1).
Genome position (GRCh38, 1-based): chr20:58,440,964, A>G. VCF-style: chr20-58440964-A-G. GRCh37 (hg19) VCF-style: chr20-57016020-A-G.
Other names: c.212-3113A>G (NM_001195677.2); short protein forms I152V.
Identifiers: ClinVar variation 2219651 (VCV002219651.5), dbSNP rs1989146345, ClinGen allele CA409439627.
Genomic context (GRCh38, chr20:58,440,964, plus strand): 5'-CAGCATGATGTAGAAATAAATAAAATTATATCCACAACTGCATCAAAGACAGAAACACCA[A>G]TAGTGTCTAAGTCTCTGAGTTCTTCTTTGGATGACACCGAAGTTAAGAAGGTTATGGAAG-3'
Protein context (NP_004729.1, residues 142-162): STTASKTETP[Ile152Val]VSKSLSSSLD